The following is an entry in ClinVar:

ClinVar aggregate classification (germline): Pathogenic (1 of 4 stars; one submission).

Conditions:
Holocarboxylase synthetase deficiency. Also called: MULTIPLE CARBOXYLASE DEFICIENCY, EARLY ONSET. Identifiers: Orphanet 79242, MedGen C0268581, MONDO:0009666, OMIM 253270.

Submission:

Myriad Genetics, Inc.
Classification: Pathogenic for Holocarboxylase synthetase deficiency. Last evaluated: 2025-08-06. Review status: criteria provided, single submitter. Criteria: Myriad Autosomal Dominant, Autosomal Recessive and X-Linked Classification Criteria (2023). Collection method: clinical testing. Allele origin: unknown.
Comment: NM_000411.6(HLCS):c.1510G>T(E504*) is expected to be pathogenic in the context of holocarboxylase synthetase deficiency. This variant is predicted to lead to an abnormal or absent protein product due to the creation of a premature termination codon in HLCS, a gene where loss-of-function variants are known to be pathogenic. Please note: this variant was assessed in the context of healthy population screening.

NM_001352514.2(HLCS):c.1951G>T (p.Glu651Ter)

Gene: HLCS (holocarboxylase synthetase; minus strand). Cytogenetic location: 21q22.13.
Variant type: single nucleotide variant.
Coding change: c.1951G>T on transcript NM_001352514.2 (MANE Select); coding-DNA position 1951, G replaced by T.
Protein change: p.Glu651Ter; replaces glutamic acid 651 with a stop codon.
Molecular consequence: nonsense. On other transcripts: non-coding transcript variant (2).
Genome position (GRCh38, 1-based): chr21:36,767,227, C>A on the plus strand (G>T on the coding strand, the complement: HLCS is on the minus strand). VCF-style: chr21-36767227-C-A. GRCh37 (hg19) VCF-style: chr21-38139528-C-A.
Other names: c.1510G>T, p.Glu504Ter (NM_000411.8, NM_001242784.3, NM_001242785.2 and 4 more transcripts); short protein forms E504*, E651*.
Identifiers: ClinVar variation 5014831 (VCV005014831.1).